The following continues an entry in ClinVar:

NM_001048174.2(MUTYH):c.1381G>A (p.Ala461Thr)

Gene: MUTYH. ClinVar aggregate classification (germline): Uncertain significance. Uncertain significance (15).

Submissions 8 to 16 of 16:

GeneDx
Classification: Uncertain significance. Last evaluated: 2024-11-06. Review status: criteria provided, single submitter. Criteria: GeneDx Variant Classification Process June 2021. Collection method: clinical testing. Allele origin: germline. Affected: yes.
Comment: Observed as a single monoallelic variant, as well as with a pathogenic MUTYH variant in individuals with multiple polyps and/or colon cancer; however, it was unknown if the variants were on the same or opposite alleles (in cis or in trans) (PMID: 16234049, 15761860, 20618354, 35668106); Published functional studies demonstrate partially defective base excision repair activity in a yeast-based complementation assay (PMID: 25820570); In silico analysis supports that this missense variant has a deleterious effect on protein structure/function; Also known as c.1423G>A or p.(A475T); This variant is associated with the following publications: (PMID: 15761860, 20618354, 16234049, 35668106, 25820570, 23108399)

Baylor Genetics
Classification: Uncertain significance for Familial adenomatous polyposis 2. Last evaluated: 2024-02-25. Review status: criteria provided, single submitter. Criteria: ACMG Guidelines, 2015. Collection method: clinical testing. Allele origin: unknown.

All of Us Research Program, National Institutes of Health
Classification: Uncertain significance for Familial adenomatous polyposis 2. Last evaluated: 2023-12-18. Review status: criteria provided, single submitter. Criteria: ACMG Guidelines, 2015. Collection method: clinical testing. Allele origin: germline. Inheritance: Autosomal recessive inheritance. Observed: 16 variant alleles, 16 heterozygotes.
Comment: This missense variant replaces alanine with threonine at codon 489 of the MUTYH protein. Computational prediction suggests that this variant may have deleterious impact on protein structure and function (internally defined REVEL score threshold >= 0.7, PMID: 27666373). A functional study has shown the mutant protein to be partially defective for base excision repair activity (PMID: 25820570). This variant has been reported in individuals affected with polyposis (PMID: 15761860, 16234049, 20618354, 25820570) or colorectal cancer (PMID: 35668106). However, it often co-occurs with another pathogenic variant MUTYH c.933+3A>C, suggesting it may be a linked polymorphism (Color internal data). This variant has been identified in 11/282784 chromosomes in the general population by the Genome Aggregation Database (gnomAD). The available evidence is insufficient to determine the role of this variant in disease conclusively. Therefore, this variant is classified as a Variant of Uncertain Significance.

This study involves interpretation of variants in research participants for the purpose of population health screening. Participant phenotype was not available at the time of variant classification. Additional details can be found in publication PMID: 35346344, PMCID: PMC8962531

Institute for Biomarker Research, Medical Diagnostic Laboratories, L.L.C.
Classification: Uncertain significance for Hereditary cancer-predisposing syndrome. Last evaluated: 2023-12-05. Review status: criteria provided, single submitter. Criteria: ACMG Guidelines, 2015. Collection method: clinical testing. Allele origin: germline.

Blueprint Genetics
Classification: Uncertain significance. Last evaluated: 2023-02-20. Review status: criteria provided, single submitter. Criteria: ACMG Guidelines, 2015. Collection method: clinical testing. Allele origin: germline.

Department of Pathology and Laboratory Medicine, Sinai Health System
Classification: Uncertain significance for Familial adenomatous polyposis 2. Last evaluated: 2021-03-10. Review status: criteria provided, single submitter. Criteria: ACMG Guidelines, 2015. Collection method: clinical testing. Allele origin: germline. Affected: yes.

Mayo Clinic Laboratories, Mayo Clinic
Classification: Uncertain significance. Last evaluated: 2020-06-05. Review status: criteria provided, single submitter. Criteria: ACMG Guidelines, 2015. Collection method: clinical testing. Allele origin: germline. Observed: 1 variant allele.

AiLife Diagnostics
Classification: Uncertain significance. Last evaluated: 2020-04-03. Review status: criteria provided, single submitter. Criteria: ACMG Guidelines, 2015. Collection method: clinical testing. Allele origin: germline. Affected: yes. Observed: 1 variant allele.

Counsyl
Classification: Uncertain significance for Familial adenomatous polyposis 2. Last evaluated: 2018-02-20. Review status: no assertion criteria provided. Collection method: clinical testing. Allele origin: unknown. Not counted in ClinVar's aggregate classification.

Literature cited by the submitters: PubMed 16234049 (cited by 8 submitters); PubMed 25820570 (cited by 9 submitters); PubMed 20618354 (cited by 7 submitters); PubMed 15761860 (cited by 8 submitters); PubMed 35668106 (cited by 4 submitters); PubMed 33471991 (cited by Quest Diagnostics Nichols Institute San Juan Capistrano).